The following is an entry in ClinVar:

ClinVar aggregate classification (germline): Uncertain significance (1 of 4 stars; one submission).

gnomAD v4.1: 1 of 1,613,810 alleles (0.000062%); highest among the groups gnomAD compares: East Asian, 0.0022%; no homozygotes.

Submission:

Women's Health and Genetics/Laboratory Corporation of America, LabCorp
Classification: Uncertain significance. Last evaluated: 2025-03-31. Review status: criteria provided, single submitter. Criteria: LabCorp Variant Classification Summary - May 2015. Collection method: clinical testing. Allele origin: germline.
Comment: Variant summary: DIP2B c.277G>A (p.Ala93Thr) results in a non-conservative amino acid change located in the DMAP1-binding domain (IPR010506) of the encoded protein sequence. Three of five in-silico tools predict a benign effect of the variant on protein function. The variant was absent in 251332 control chromosomes. The available data on variant occurrences in the general population are insufficient to allow any conclusion about variant significance. To our knowledge, no occurrence of c.277G>A in individuals affected with Intellectual Disability, FRA12A Type and no experimental evidence demonstrating its impact on protein function have been reported. No submitters have cited clinical-significance assessments for this variant to ClinVar. Based on the evidence outlined above, the variant was classified as uncertain significance.

NM_173602.3(DIP2B):c.277G>A (p.Ala93Thr)

Gene: DIP2B (disco interacting protein 2 homolog B; plus strand). Cytogenetic location: 12q13.12.
Variant type: single nucleotide variant.
Coding change: c.277G>A on transcript NM_173602.3 (MANE Select); coding-DNA position 277, G replaced by A.
Protein change: p.Ala93Thr; replaces alanine 93 with threonine.
Molecular consequence: missense variant.
Genome position (GRCh38, 1-based): chr12:50,640,828, G>A. VCF-style: chr12-50640828-G-A. GRCh37 (hg19) VCF-style: chr12-51034611-G-A.
Other names: short protein forms A93T.
Identifiers: ClinVar variation 3896036 (VCV003896036.1).